The following is an entry in ClinVar:

NM_000528.4(MAN2B1):c.9del (p.Tyr4fs)

Genes: MAN2B1 (mannosidase alpha class 2B member 1; minus strand), LOC130063650 (ATAC-STARR-seq lymphoblastoid silent region 10156; plus strand). Cytogenetic location: 19p13.13.
Variant type: Deletion.
Coding change: c.9del on transcript NM_000528.4 (MANE Select); coding-DNA position 9, one base deleted (C; older notation c.9delC).
Protein change: p.Tyr4fs; shifts the reading frame from tyrosine 4.
Molecular consequence: frameshift variant.
Genome position (GRCh38, 1-based): chr19:12,666,693, G deleted on the plus strand (C on the coding strand, the reverse complement: MAN2B1 is on the minus strand); the first of 2 consecutive G bases (chr19:12,666,693-12,666,694); deleting either gives the same sequence. VCF-style (leftmost placement, unchanged base first): chr19-12666692-AG-A. GRCh37 (hg19) VCF-style: chr19-12777506-AG-A.
Other names: c.9del, p.Tyr4fs (NM_001173498.2); short protein forms Y4fs.
Identifiers: ClinVar variation 1458260 (VCV001458260.6), dbSNP rs2145294851, ClinGen allele CA2573156090.

ClinVar aggregate classification (germline): Pathogenic (1 of 4 stars; one submission).

Conditions:
Deficiency of alpha-mannosidase (MANSA). Also called: LYSOSOMAL ALPHA-D-MANNOSIDASE DEFICIENCY; Mannosidosis, alpha-, types I and II; Alpha-Mannosidosis. Identifiers: Orphanet 61, MedGen C0024748, MONDO:0009561, OMIM 248500.

Submission:

Labcorp Genetics (formerly Invitae), Labcorp
Classification: Pathogenic for Deficiency of alpha-mannosidase. Last evaluated: 2021-05-02. Review status: criteria provided, single submitter. Criteria: Invitae Variant Classification Sherloc (09022015). Collection method: clinical testing. Allele origin: germline.
Comment: For these reasons, this variant has been classified as Pathogenic. This variant has not been reported in the literature in individuals with MAN2B1-related conditions. The frequency data for this variant in the population databases is considered unreliable, as metrics indicate insufficient coverage at this position in the ExAC database. This sequence change creates a premature translational stop signal (p.Tyr4Thrfs*60) in the MAN2B1 gene. It is expected to result in an absent or disrupted protein product. Loss-of-function variants in MAN2B1 are known to be pathogenic (PMID: 9915946, 22161967).

Literature cited by the submitters: PubMed 9915946; PubMed 22161967.